The following is an entry in ClinVar:

NM_022124.6(CDH23):c.2397+26T>C

Gene: CDH23 (cadherin related 23; plus strand). Cytogenetic location: 10q22.1.
Variant type: single nucleotide variant.
Coding change: c.2397+26T>C on transcript NM_022124.6 (MANE Select); 26 bases into the intron after coding-DNA position 2397, T replaced by C.
Molecular consequence: intron variant.
Genome position (GRCh38, 1-based): chr10:71,695,551, T>C. VCF-style: chr10-71695551-T-C. GRCh37 (hg19) VCF-style: chr10-73455308-T-C.
Other names: c.2397+26T>C (NM_001171930.2, NM_001171931.2).
Identifiers: ClinVar variation 261545 (VCV000261545.6), dbSNP rs3752750, ClinGen allele CA5544199.
Genomic context (GRCh38, chr10:71,695,551, plus strand): 5'-TGGAGATGACCCCTCCAGACTCTGATGTGACCACGGTAGGTGGTGGCAGAGCAGCAGAAC[T>C]GCCAGGCGGCCCTTCCCAGGGGTCTGTGCCCCTCCCACTGCGATTCCAGGGGGCCTTCCC-3'

ClinVar aggregate classification (germline): Benign. Review status: criteria provided, multiple submitters, no conflicts (2 of 4 stars). 5 submissions from 4 submitters: Benign (5). Last evaluated 2021-07-01.

Conditions:
Autosomal recessive nonsyndromic hearing loss 12. Also called: DEAFNESS, AUTOSOMAL RECESSIVE 12. Identifiers: Orphanet 90636, MedGen C1832394, MONDO:0011067, OMIM 601386.
Usher syndrome type 1D (USH1D). Also called: USHER SYNDROME, TYPE ID. Identifiers: Orphanet 231169, Orphanet 886, MedGen C1832845, MONDO:0010984, OMIM 601067.

Allele frequency attached by ClinVar (database versions not stated): 1000 Genomes Project 30x 0.55231; 1000 Genomes Project 0.55391; TOPMed 0.62249; gnomAD 0.62554; ESP Exome Variant Server 0.66634.
gnomAD v4.1: 1,030,032 of 1,532,188 alleles (67%); highest among the groups gnomAD compares: Non-Finnish European, 71%; 351,233 homozygotes.

Submissions (5):

Genome-Nilou Lab
Classification: Benign for Usher syndrome type 1D. Last evaluated: 2021-07-01. Review status: criteria provided, single submitter. Criteria: ACMG Guidelines, 2015. Collection method: clinical testing. Allele origin: germline. Affected: no.

Genome-Nilou Lab
Classification: Benign for Autosomal recessive nonsyndromic hearing loss 12. Last evaluated: 2021-07-01. Review status: criteria provided, single submitter. Criteria: ACMG Guidelines, 2015. Collection method: clinical testing. Allele origin: germline. Affected: no.

GeneDx
Classification: Benign. Last evaluated: 2018-06-13. Review status: criteria provided, single submitter. Criteria: GeneDx Variant Classification (06012015). Collection method: clinical testing. Allele origin: germline. Affected: yes.
Comment: This variant is considered likely benign or benign based on one or more of the following criteria: it is a conservative change, it occurs at a poorly conserved position in the protein, it is predicted to be benign by multiple in silico algorithms, and/or has population frequency not consistent with disease.

Breakthrough Genomics
Classification: Benign. Review status: criteria provided, single submitter. Criteria: ACMG Guidelines, 2015. Collection method: not provided. Allele origin: germline. Inheritance: Autosomal recessive inheritance. Affected: yes.

PreventionGenetics, part of Exact Sciences
Classification: Benign. Review status: criteria provided, single submitter. Criteria: ACMG Guidelines, 2015. Collection method: clinical testing. Allele origin: germline.